The following is an entry in ClinVar:

NM_153252.5(BRWD3):c.2413C>T (p.His805Tyr)

Gene: BRWD3 (bromodomain and WD repeat domain containing 3; minus strand). Cytogenetic location: Xq21.1.
Variant type: single nucleotide variant.
Coding change: c.2413C>T on transcript NM_153252.5 (MANE Select); coding-DNA position 2413, C replaced by T.
Protein change: p.His805Tyr; replaces histidine 805 with tyrosine.
Molecular consequence: missense variant.
Genome position (GRCh38, 1-based): chrX:80,709,490, G>A on the plus strand (C>T on the coding strand, the complement: BRWD3 is on the minus strand). VCF-style: chrX-80709490-G-A. GRCh37 (hg19) VCF-style: chrX-79964989-G-A.
Other names: short protein forms H805Y.
Identifiers: ClinVar variation 2098374 (VCV002098374.4), dbSNP rs2072924840, ClinGen allele CA413629328.

ClinVar aggregate classification (germline): Uncertain significance (1 of 4 stars; one submission).

Allele frequency attached by ClinVar (database versions not stated): TOPMed 0.00001.

Submission:

Labcorp Genetics (formerly Invitae), Labcorp
Classification: Uncertain significance. Last evaluated: 2026-01-19. Review status: criteria provided, single submitter. Criteria: Invitae Variant Classification Sherloc (09022015). Collection method: clinical testing. Allele origin: germline.
Comment: This sequence change replaces histidine, which is basic and polar, with tyrosine, which is neutral and polar, at codon 805 of the BRWD3 protein (p.His805Tyr). This variant is not present in population databases (gnomAD no frequency). This variant has not been reported in the literature in individuals affected with BRWD3-related conditions. ClinVar contains an entry for this variant (Variation ID: 2098374). Invitae Evidence Modeling of protein sequence and biophysical properties (such as structural, functional, and spatial information, amino acid conservation, physicochemical variation, residue mobility, and thermodynamic stability) indicates that this missense variant is not expected to disrupt BRWD3 protein function with a negative predictive value of 80%. In summary, the available evidence is currently insufficient to determine the role of this variant in disease. Therefore, it has been classified as a Variant of Uncertain Significance.